The following is an entry in ClinVar:

NM_031885.5(BBS2):c.694dup (p.Thr232fs)

Gene: BBS2 (Bardet-Biedl syndrome 2; minus strand). Cytogenetic location: 16q13.
Variant type: Duplication.
Coding change: c.694dup on transcript NM_031885.5 (MANE Select); coding-DNA position 694, one base duplicated (A; older notation c.694dupA).
Protein change: p.Thr232fs; shifts the reading frame from threonine 232.
Molecular consequence: frameshift variant. On other transcripts: non-coding transcript variant (5).
Genome position (GRCh38, 1-based): chr16:56,506,143, T duplicated on the plus strand (A on the coding strand, the reverse complement: BBS2 is on the minus strand); the first of 4 consecutive T bases (chr16:56,506,143-56,506,146); duplicating any one gives the same sequence. VCF-style (leftmost placement, unchanged base first): chr16-56506142-G-GT. GRCh37 (hg19) VCF-style: chr16-56540054-G-GT.
Other names: c.694dup, p.Thr232fs (NM_001377456.1); short protein forms T232fs.
Identifiers: ClinVar variation 5014639 (VCV005014639.1).
Genomic context (GRCh38, chr16:56,506,142, plus strand): 5'-ATCAAGCGCCTGAATATCAAAGGCTAAATTATACTAACTTTAATTCTCCAGTATCGGGAT[G>GT]TTTTGTCATAAACTCCAACTGTGCCATTGGAAAGGGCATAACCAAATCGACTGCCATACA-3'

ClinVar aggregate classification (germline): Pathogenic (1 of 4 stars; one submission).

Conditions:
BBS2-related ciliopathy. Identifiers: MedGen CN378634, MONDO:1040048.

Submission:

Myriad Genetics, Inc.
Classification: Pathogenic for BBS2-related ciliopathy. Last evaluated: 2025-06-24. Review status: criteria provided, single submitter. Criteria: Myriad Autosomal Dominant, Autosomal Recessive and X-Linked Classification Criteria (2023). Collection method: clinical testing. Allele origin: unknown.
Comment: NM_031885.3(BBS2):c.694dupA(T232Nfs*8) is expected to be pathogenic in the context of Bardet-Biedl syndrome, BBS2-related. This variant is predicted to lead to an abnormal or absent protein product due to the creation of a premature termination codon in BBS2, a gene where loss-of-function variants are known to be pathogenic. Please note: this variant was assessed in the context of healthy population screening.